The following is an entry in ClinVar:

ClinVar aggregate classification (germline): Uncertain significance. Review status: criteria provided, multiple submitters, no conflicts (2 of 4 stars). 2 submissions from 2 submitters: Uncertain significance (2). Last evaluated 2025-11-23.

Conditions:
Epilepsy, idiopathic generalized, susceptibility to, 11 (EIG11). Identifiers: Orphanet 307, MedGen C2750893, MONDO:0011875, OMIM 607628.
Leukoencephalopathy with mild cerebellar ataxia and white matter edema (LKPAT). Also called: Leukoencephalopathy with white matter edema; Brain white matter edema; Leukoencephalopathy with ataxia; CLCN2-Related Leukoencephalopathy. Identifiers: Orphanet 363540, MedGen C4554120, MONDO:0014292, OMIM 615651. Disease mechanism: loss of function.
Familial hyperaldosteronism type II. Also called: FH II. Identifiers: Orphanet 404, MedGen C1854107, MONDO:0011576, OMIM 605635.

Allele frequency attached by ClinVar (database versions not stated): TOPMed below 0.00001; gnomAD exomes 0.00001.
gnomAD v4.1: 4 of 1,611,770 alleles (0.00025%); highest among the groups gnomAD compares: East Asian, 0.0022%; no homozygotes.

Submissions (2):

Labcorp Genetics (formerly Invitae), Labcorp
Classification: Uncertain significance. Last evaluated: 2025-11-23. Review status: criteria provided, single submitter. Criteria: Invitae Variant Classification Sherloc (09022015). Collection method: clinical testing. Allele origin: germline.
Comment: This sequence change replaces arginine, which is basic and polar, with histidine, which is basic and polar, at codon 572 of the CLCN2 protein (p.Arg572His). This variant is present in population databases (no rsID available, gnomAD 0.006%). This variant has not been reported in the literature in individuals affected with CLCN2-related conditions. ClinVar contains an entry for this variant (Variation ID: 1446700). Invitae Evidence Modeling of protein sequence and biophysical properties (such as structural, functional, and spatial information, amino acid conservation, physicochemical variation, residue mobility, and thermodynamic stability) indicates that this missense variant is not expected to disrupt CLCN2 protein function with a negative predictive value of 80%. In summary, the available evidence is currently insufficient to determine the role of this variant in disease. Therefore, it has been classified as a Variant of Uncertain Significance.

Fulgent Genetics
Classification: Uncertain significance for Familial hyperaldosteronism type II; Epilepsy, idiopathic generalized, susceptibility to, 11; Leukoencephalopathy with mild cerebellar ataxia and white matter edema. Last evaluated: 2021-07-25. Review status: criteria provided, single submitter. Criteria: ACMG Guidelines, 2015. Collection method: clinical testing. Allele origin: unknown.

NM_004366.6(CLCN2):c.1715G>A (p.Arg572His)

Gene: CLCN2 (chloride voltage-gated channel 2; minus strand). Cytogenetic location: 3q27.1.
Variant type: single nucleotide variant.
Coding change: c.1715G>A on transcript NM_004366.6 (MANE Select); coding-DNA position 1715, G replaced by A.
Protein change: p.Arg572His; replaces arginine 572 with histidine.
Molecular consequence: missense variant.
Genome position (GRCh38, 1-based): chr3:184,354,107, C>T on the plus strand (G>A on the coding strand, the complement: CLCN2 is on the minus strand). VCF-style: chr3-184354107-C-T. GRCh37 (hg19) VCF-style: chr3-184071895-C-T.
Other names: c.1664G>A, p.Arg555His (NM_001171087.3); c.1583G>A, p.Arg528His (NM_001171088.3); c.1715G>A, p.Arg572His (NM_001171089.3); short protein forms R572H, R528H, R555H.
Identifiers: ClinVar variation 1446700 (VCV001446700.9), dbSNP rs1303886490, ClinGen allele CA355449427.